The following is an entry in ClinVar:

ClinVar aggregate classification (germline): Uncertain significance (1 of 4 stars; one submission).

Allele frequency attached by ClinVar (database versions not stated): gnomAD 0.00001.

Submission:

Labcorp Genetics (formerly Invitae), Labcorp
Classification: Uncertain significance. Last evaluated: 2022-07-08. Review status: criteria provided, single submitter. Criteria: Invitae Variant Classification Sherloc (09022015). Collection method: clinical testing. Allele origin: germline.
Comment: In summary, the available evidence is currently insufficient to determine the role of this variant in disease. Therefore, it has been classified as a Variant of Uncertain Significance. Algorithms developed to predict the effect of missense changes on protein structure and function (SIFT, PolyPhen-2, Align-GVGD) all suggest that this variant is likely to be tolerated. This variant has not been reported in the literature in individuals affected with ATP2B1-related conditions. This variant is present in population databases (no rsID available, gnomAD 0.003%). This sequence change replaces alanine, which is neutral and non-polar, with threonine, which is neutral and polar, at codon 76 of the ATP2B1 protein (p.Ala76Thr).

NM_001366521.1(ATP2B1):c.226G>A (p.Ala76Thr)

Gene: ATP2B1 (ATPase plasma membrane Ca2+ transporting 1; minus strand). Cytogenetic location: 12q21.33.
Variant type: single nucleotide variant.
Coding change: c.226G>A on transcript NM_001366521.1 (MANE Select); coding-DNA position 226, G replaced by A.
Protein change: p.Ala76Thr; replaces alanine 76 with threonine.
Molecular consequence: missense variant. On other transcripts: intron variant (1).
Genome position (GRCh38, 1-based): chr12:89,642,338, C>T on the plus strand (G>A on the coding strand, the complement: ATP2B1 is on the minus strand). VCF-style: chr12-89642338-C-T. GRCh37 (hg19) VCF-style: chr12-90036115-C-T.
Other names: c.226G>A, p.Ala76Thr (NM_001001323.2, NM_001366520.1, NM_001366523.1 and 23 more transcripts); c.209-7087G>A (NM_001366530.1); short protein forms A76T.
Identifiers: ClinVar variation 1946554 (VCV001946554.5), dbSNP rs1162126753, ClinGen allele CA386128426.
Genomic context (GRCh38, chr12:89,642,338, plus strand): 5'-TTGGCTTTTTAGGAGGTATAAAATTCTTTCCAAACACTGCTTCTCTTCTTTCTAAATCTG[C>T]AGGGTTTCCACTTAAACCTAATAAAAAGAAACAAATTTCAGTGAACAGTTTTACTTCTTA-3'
Protein context (NP_001353450.1, residues 66-86): SPNEGLSGNP[Ala76Thr]DLERREAVFG